The following is an entry in ClinVar:

NM_005458.8(GABBR2):c.1544C>T (p.Ser515Leu)

Gene: GABBR2 (gamma-aminobutyric acid type B receptor subunit 2; minus strand). Cytogenetic location: 9q22.33.
Variant type: single nucleotide variant.
Coding change: c.1544C>T on transcript NM_005458.8 (MANE Select); coding-DNA position 1544, C replaced by T.
Protein change: p.Ser515Leu; replaces serine 515 with leucine.
Molecular consequence: missense variant.
Genome position (GRCh38, 1-based): chr9:98,385,758, G>A on the plus strand (C>T on the coding strand, the complement: GABBR2 is on the minus strand). VCF-style: chr9-98385758-G-A. GRCh37 (hg19) VCF-style: chr9-101148040-G-A.
Other names: short protein forms S515L.
Identifiers: ClinVar variation 1677193 (VCV001677193.1), dbSNP rs2131489662, ClinGen allele CA374211059.

ClinVar aggregate classification (germline): Uncertain significance (1 of 4 stars; one submission).

Allele frequency attached by ClinVar (database versions not stated): gnomAD exomes below 0.00001.
gnomAD v4.1: 1 of 1,609,368 alleles (0.000062%); highest among the groups gnomAD compares: Non-Finnish European, 0.000085%; no homozygotes.

Submission:

Women's Health and Genetics/Laboratory Corporation of America, LabCorp
Classification: Uncertain significance. Last evaluated: 2022-03-27. Review status: criteria provided, single submitter. Criteria: LabCorp Variant Classification Summary - May 2015. Collection method: clinical testing. Allele origin: germline.
Comment: Variant summary: GABBR2 c.1544C>T (p.Ser515Leu) results in a non-conservative amino acid change located in the GPCR family 3, C-terminal domain (IPR017978) of the encoded protein sequence. Five of five in-silico tools predict a damaging effect of the variant on protein function. The variant was absent in 251292 control chromosomes. The available data on variant occurrences in the general population are insufficient to allow any conclusion about variant significance. To our knowledge, no occurrence of c.1544C>T in individuals affected with Early Infantile Epileptic Encephalopathy 59 and no experimental evidence demonstrating its impact on protein function have been reported. No clinical diagnostic laboratories have submitted clinical-significance assessments for this variant to ClinVar after 2014. Based on the evidence outlined above, the variant was classified as uncertain significance.